The following is an entry in ClinVar:

ClinVar aggregate classification (germline): Conflicting classifications of pathogenicity. Review status: criteria provided, conflicting classifications (1 of 4 stars). 4 submissions from 4 submitters: Uncertain significance (1); Benign (1); Likely benign (1). 1 of the submissions does not count toward it. Last evaluated 2025-09-08.

Conditions:
Inborn genetic diseases. Identifiers: MedGen C0950123, MeSH D030342.
NIPBL-related disorder. Also called: NIPBL-related condition.
Cornelia de Lange syndrome 1 (CDLS1). Also called: Brachmann de Lange syndrome; NIPBL-Related Cornelia de Lange Syndrome; TYPUS DEGENERATIVUS AMSTELODAMENSIS. Identifiers: Orphanet 199, MedGen C4551851, MONDO:0007387, OMIM 122470.

Allele frequency attached by ClinVar (database versions not stated): ExAC 0.00003; gnomAD exomes 0.00004 and 0.00011; gnomAD 0.00005; TOPMed 0.00006.
gnomAD v4.1: 33 of 1,613,708 alleles (0.002%); highest among the groups gnomAD compares: Admixed American, 0.053%; no homozygotes.

Submissions (4):

Labcorp Genetics (formerly Invitae), Labcorp
Classification: Benign for Cornelia de Lange syndrome 1. Last evaluated: 2025-09-08. Review status: criteria provided, single submitter. Criteria: Invitae Variant Classification Sherloc (09022015). Collection method: clinical testing. Allele origin: germline.

Ambry Genetics
Classification: Likely benign for Inborn genetic diseases. Last evaluated: 2022-08-30. Review status: criteria provided, single submitter. Criteria: Ambry Variant Classification Scheme 2023. Collection method: clinical testing. Allele origin: germline.

Genetic Services Laboratory, University of Chicago
Classification: Uncertain significance for Cornelia de Lange syndrome 1. Last evaluated: 2013-02-08. Review status: criteria provided, single submitter. Criteria: ACMG Guidelines, 2007. Collection method: clinical testing. Allele origin: germline. Inheritance: Autosomal dominant inheritance.

PreventionGenetics, part of Exact Sciences
Classification: Likely benign for NIPBL-related condition. Last evaluated: 2023-10-09. Review status: no assertion criteria provided. Collection method: clinical testing. Allele origin: germline. Not counted in ClinVar's aggregate classification.
Comment: This variant is classified as likely benign based on ACMG/AMP sequence variant interpretation guidelines (Richards et al. 2015 PMID: 25741868, with internal and published modifications).

NM_133433.4(NIPBL):c.1591A>G (p.Thr531Ala)

Gene: NIPBL (NIPBL cohesin loading factor; plus strand). Cytogenetic location: 5p13.2.
Variant type: single nucleotide variant.
Coding change: c.1591A>G on transcript NM_133433.4 (MANE Select); coding-DNA position 1591, A replaced by G.
Protein change: p.Thr531Ala; replaces threonine 531 with alanine.
Molecular consequence: missense variant.
Genome position (GRCh38, 1-based): chr5:36,984,771, A>G. VCF-style: chr5-36984771-A-G. GRCh37 (hg19) VCF-style: chr5-36984873-A-G.
Other names: c.1591A>G, p.Thr531Ala (NM_015384.5); short protein forms T531A.
Identifiers: ClinVar variation 159039 (VCV000159039.16), dbSNP rs587783890, ClinGen allele CA271981.
Genomic context (GRCh38, chr5:36,984,771, plus strand): 5'-CCACAGGAGGCTGGGGGTGCTACAGGAGGTAATAGACCAGCTTCTCAGGAGACGGGTTCT[A>G]CGGGAAATGGGTCAAGGCCAGCATTAATGGTTAGCATTGATCTTCATCAGGCAGGAAGAG-3'
Protein context (NP_597677.2, residues 521-541): NRPASQETGS[Thr531Ala]GNGSRPALMV